The following is an entry in ClinVar:

NM_004304.5(ALK):c.2961C>T (p.Cys987=)

Gene: ALK (ALK receptor tyrosine kinase; minus strand). Cytogenetic location: 2p23.2.
Variant type: single nucleotide variant.
Coding change: c.2961C>T on transcript NM_004304.5 (MANE Select); coding-DNA position 2961, C replaced by T.
Protein change: p.Cys987=; no amino-acid change (cysteine 987 retained).
Molecular consequence: synonymous variant.
Genome position (GRCh38, 1-based): chr2:29,227,028, G>A on the plus strand (C>T on the coding strand, the complement: ALK is on the minus strand). VCF-style: chr2-29227028-G-A. GRCh37 (hg19) VCF-style: chr2-29449894-G-A.
Other names: c.2961C>T (NM_004304.4).
Identifiers: ClinVar variation 1136951 (VCV001136951.10), dbSNP rs1400037080, ClinGen allele CA425435998.

ClinVar aggregate classification (germline): Conflicting classifications of pathogenicity. Review status: criteria provided, conflicting classifications (1 of 4 stars). 2 submissions from 2 submitters: Uncertain significance (1); Likely benign (1). Last evaluated 2025-11-19.

Conditions:
Neuroblastoma, susceptibility to, 3. Also called: ALK-Related Neuroblastic Tumor Susceptibility. Identifiers: Orphanet 635, MedGen C2751681, MONDO:0013083, OMIM 613014.
Hereditary cancer-predisposing syndrome. Also called: Neoplastic Syndromes, Hereditary; Hereditary neoplastic syndrome; Tumor predisposition; Hereditary Cancer Syndrome. Identifiers: Orphanet 140162, MedGen C0027672, MeSH D009386, MONDO:0015356.

Allele frequency attached by ClinVar (database versions not stated): gnomAD exomes below 0.00001.
gnomAD v4.1: 3 of 1,614,164 alleles (0.00019%); highest among the groups gnomAD compares: Admixed American, 0.0033%; no homozygotes.

Submissions (2):

Labcorp Genetics (formerly Invitae), Labcorp
Classification: Likely benign for Neuroblastoma, susceptibility to, 3. Last evaluated: 2025-11-19. Review status: criteria provided, single submitter. Criteria: Invitae Variant Classification Sherloc (09022015). Collection method: clinical testing. Allele origin: germline.

Ambry Genetics
Classification: Uncertain significance for Hereditary cancer-predisposing syndrome. Last evaluated: 2025-01-17. Review status: criteria provided, single submitter. Criteria: Ambry Variant Classification Scheme 2023. Collection method: clinical testing. Allele origin: germline.
Comment: The c.2961C>T variant (also known as p.C987C), located in coding exon 18 of the ALK gene, results from a C to T substitution at nucleotide position 2961. This nucleotide substitution does not change the cysteine at codon 987. This nucleotide position is highly conserved in available vertebrate species. In silico splice site analysis for this alteration is inconclusive. Based on the available evidence, the clinical significance of this variant remains unclear.